The following is an entry in ClinVar:

NM_004360.5(CDH1):c.1250A>G (p.Asn417Ser)

Gene: CDH1 (cadherin 1; plus strand). Cytogenetic location: 16q22.1.
Variant type: single nucleotide variant.
Coding change: c.1250A>G on transcript NM_004360.5 (MANE Select); coding-DNA position 1250, A replaced by G.
Protein change: p.Asn417Ser; replaces asparagine 417 with serine.
Molecular consequence: missense variant. On other transcripts: 5 prime UTR variant (2), intron variant (1).
Genome position (GRCh38, 1-based): chr16:68,813,425, A>G. VCF-style: chr16-68813425-A-G. GRCh37 (hg19) VCF-style: chr16-68847328-A-G.
Other names: c.-366A>G (NM_001317185.2); c.-570A>G (NM_001317186.2); c.1137+1162A>G (NM_001317184.2); c.1250A>G (LRG_301t1); short protein forms N417S.
Identifiers: ClinVar variation 185286 (VCV000185286.29), dbSNP rs773441320, ClinGen allele CA191528.

ClinVar aggregate classification (germline): Conflicting classifications of pathogenicity. Review status: criteria provided, conflicting classifications (1 of 4 stars). 11 submissions from 11 submitters: Uncertain significance (10); Likely benign (1). Last evaluated 2026-01-27.

Conditions:
Familial cancer of breast. Also called: hereditary breast carcinoma; BREAST CANCER, FAMILIAL; Hereditary breast cancer. Identifiers: Orphanet 227535, MedGen C0346153, MONDO:0016419, OMIM 114480. Disease mechanism: loss of function.
Hereditary diffuse gastric adenocarcinoma (HDGC). Also called: DIFFUSE GASTRIC AND LOBULAR BREAST CANCER SYNDROME. Identifiers: Orphanet 26106, MedGen C1708349, MONDO:0007648, OMIM 137215.
Endometrial carcinoma. Also called: Endometrial carcinoma, somatic. Identifiers: MedGen C0476089, MONDO:0002447, OMIM 608089, HP:0012114.
Ovarian neoplasm. Also called: Neoplasm of ovary; Ovarian tumor; Ovarian Neoplasms. Identifiers: MedGen C0919267, MeSH D010051, MONDO:0021068, HP:0100615.
Prostate cancer. Also called: Malignant tumor of prostate. Identifiers: Orphanet 1331, MedGen C0376358, MONDO:0008315, HP:0012125.
Blepharocheilodontic syndrome 1 (BCDS1). Identifiers: Orphanet 1997, MedGen C4551988, MONDO:0054740, OMIM 119580.
Hereditary cancer-predisposing syndrome. Also called: Neoplastic Syndromes, Hereditary; Hereditary neoplastic syndrome; Hereditary Cancer Syndrome; Tumor predisposition. Identifiers: Orphanet 140162, MedGen C0027672, MeSH D009386, MONDO:0015356.

Allele frequency attached by ClinVar (database versions not stated): TOPMed below 0.00001; gnomAD exomes 0.00001 and 0.00002; gnomAD 0.00001; ExAC 0.00002.

Submissions (11):

Labcorp Genetics (formerly Invitae), Labcorp
Classification: Uncertain significance for Hereditary diffuse gastric adenocarcinoma. Last evaluated: 2026-01-27. Review status: criteria provided, single submitter. Criteria: Invitae Variant Classification Sherloc (09022015). Collection method: clinical testing. Allele origin: germline.
Comment: This sequence change replaces asparagine, which is neutral and polar, with serine, which is neutral and polar, at codon 417 of the CDH1 protein (p.Asn417Ser). This variant is present in population databases (rs773441320, gnomAD 0.006%). This missense change has been observed in individual(s) with breast cancer (PMID: 36436516). ClinVar contains an entry for this variant (Variation ID: 185286). An algorithm developed to predict the effect of missense changes on protein structure and function (PolyPhen-2) suggests that this variant is likely to be tolerated. In summary, the available evidence is currently insufficient to determine the role of this variant in disease. Therefore, it has been classified as a Variant of Uncertain Significance.

Color Diagnostics, LLC DBA Color Health
Classification: Uncertain significance for Hereditary cancer-predisposing syndrome. Last evaluated: 2025-02-18. Review status: criteria provided, single submitter. Criteria: ACMG Guidelines, 2015. Collection method: clinical testing. Allele origin: germline.
Comment: This missense variant replaces asparagine with serine at codon 417 of the CDH1 protein. To our knowledge, functional studies have not been reported for this variant. This variant has been reported in individuals affected with or with a family history of breast cancer (PMID: 36436516). This variant has been identified in 15/1613762 chromosomes in the general population by the Genome Aggregation Database (gnomAD). The available evidence is insufficient to determine the role of this variant in disease conclusively. Therefore, this variant is classified as a Variant of Uncertain Significance.

Blueprint Genetics
Classification: Uncertain significance. Last evaluated: 2024-07-06. Review status: criteria provided, single submitter. Criteria: ACMG Guidelines, 2015. Collection method: clinical testing. Allele origin: germline.

KCCC/NGS Laboratory, Kuwait Cancer Control Center
Classification: Uncertain significance for Hereditary diffuse gastric adenocarcinoma. Last evaluated: 2024-04-03. Review status: criteria provided, single submitter. Criteria: ACMG Guidelines, 2015. Collection method: clinical testing. Allele origin: germline. Inheritance: Autosomal dominant inheritance. Affected: yes. Observed: 1 heterozygote.
Comment: This sequence change replaces asparagine, which is neutral and polar, with serine, which is neutral and polar, at codon 417 of the CDH1 protein (p.Asn417Ser). This variant is present in population databases (rs773441320, gnomAD 0.006%). This missense change has been observed in individual(s) with breast cancer (PMID: 36436516). ClinVar contains an entry for this variant (Variation ID: 185286). In silico analysis supports that this missense variant does not alter protein structure/function. In summary, the available evidence is currently insufficient to determine the role of this variant in disease. Therefore, it has been classified as a Variant of Uncertain Significance.

Institute for Biomarker Research, Medical Diagnostic Laboratories, L.L.C.
Classification: Uncertain significance for Hereditary cancer-predisposing syndrome. Last evaluated: 2023-08-14. Review status: criteria provided, single submitter. Criteria: ACMG Guidelines, 2015. Collection method: clinical testing. Allele origin: germline.

GeneDx
Classification: Uncertain significance. Last evaluated: 2023-03-27. Review status: criteria provided, single submitter. Criteria: GeneDx Variant Classification Process June 2021. Collection method: clinical testing. Allele origin: germline. Affected: yes.
Comment: In silico analysis supports that this missense variant does not alter protein structure/function; Has not been previously published as pathogenic or benign to our knowledge; This variant is associated with the following publications: (PMID: 15235021, 22850631)

European Reference Network on Genetic Tumour Risk Syndromes (ERN-GENTURIS), i3s - Instituto de Investigação e Inovação em Saúde, University of Porto
Classification: Uncertain significance for Hereditary diffuse gastric adenocarcinoma. Last evaluated: 2022-08-01. Review status: criteria provided, single submitter. Criteria: Lee et al. (Hum Mutat. 2018). Collection method: clinical testing. Allele origin: germline. Inheritance: Autosomal dominant inheritance. Affected: no. Study: ERN GENTURIS.
Comment: BS2_Supporting (PMID: 30311375)

Ambry Genetics
Classification: Likely benign for Hereditary cancer-predisposing syndrome. Last evaluated: 2021-11-18. Review status: criteria provided, single submitter. Criteria: Ambry Variant Classification Scheme 2023. Collection method: clinical testing. Allele origin: germline.

Quest Diagnostics Nichols Institute San Juan Capistrano
Classification: Uncertain significance. Last evaluated: 2021-02-02. Review status: criteria provided, single submitter. Criteria: Quest Diagnostics criteria. Collection method: clinical testing. Allele origin: unknown.

Fulgent Genetics
Classification: Uncertain significance for Familial cancer of breast; Blepharocheilodontic syndrome 1; Hereditary diffuse gastric adenocarcinoma; Ovarian cancer; Familial prostate cancer; Endometrial carcinoma. Last evaluated: 2018-10-31. Review status: criteria provided, single submitter. Criteria: ACMG Guidelines, 2015. Collection method: clinical testing. Allele origin: unknown.

Women's Health and Genetics/Laboratory Corporation of America, LabCorp
Classification: Uncertain significance. Last evaluated: 2018-08-13. Review status: criteria provided, single submitter. Criteria: LabCorp Variant Classification Summary - May 2015. Collection method: clinical testing. Allele origin: germline.
Comment: Variant summary: CDH1 c.1250A>G (p.Asn417Ser) results in a conservative amino acid change in the encoded protein sequence. Four of five in-silico tools predict a benign effect of the variant on protein function. The variant allele was found at a frequency of 2.5e-05 in 121412 control chromosomes. The available data on variant occurrences in the general population are insufficient to allow any conclusion about variant significance. To our knowledge, no occurrence of c.1250A>G in individuals affected with Hereditary Diffuse Gastric Cancer and no experimental evidence demonstrating its impact on protein function have been reported. Four clinical diagnostic laboratories have submitted clinical-significance assessments for this variant to ClinVar after 2014 and all classified the variant as uncertain significance. Based on the evidence outlined above, the variant was classified as uncertain significance.

Literature cited by the submitters: PubMed 36436516 (cited by 3 submitters).